The following is an entry in ClinVar:

NM_153676.4(USH1C):c.917_939dup (p.Gln315fs)

Gene: USH1C (USH1 protein network component harmonin; minus strand). Cytogenetic location: 11p15.1.
Variant type: Duplication.
Coding change: c.917_939dup on transcript NM_153676.4 (MANE Select); coding-DNA positions 917 to 939, 23 bases duplicated (AGGCGCGGCAGCGTGAGCTGCAG).
Protein change: p.Gln315fs; shifts the reading frame from glutamine 315.
Molecular consequence: frameshift variant. On other transcripts: non-coding transcript variant (1).
Genome position (GRCh38, 1-based): chr11:17,522,864-17,522,886, CTGCAGCTCACGCTGCCGCGCCT duplicated on the plus strand (AGGCGCGGCAGCGTGAGCTGCAG on the coding strand, the reverse complement: USH1C is on the minus strand); duplicating any 23 consecutive bases within chr11:17,522,864-17,522,890 gives the same sequence; the c. name uses the placement nearest the transcript's 3' end. VCF-style (leftmost placement, unchanged base first): chr11-17522863-G-GCTGCAGCTCACGCTGCCGCGCCT. GRCh37 (hg19) VCF-style: chr11-17544410-G-GCTGCAGCTCACGCTGCCGCGCCT.
Other names: c.860_882dup, p.Gln296fs (NM_001297764.2); c.917_939dup, p.Gln315fs (NM_005709.4); short protein forms Q296fs, Q315fs.
Identifiers: ClinVar variation 1333674 (VCV001333674.3), dbSNP rs761465345, ClinGen allele CA5904783.
Genomic context (GRCh38, chr11:17,522,863, plus strand): 5'-GCTCCTGGAGGATCTTGTTGGACTCCATCGCCAGCCGCTTCTGCATGAGAAGCTCCTGCC[G>GCTGCAGCTCACGCTGCCGCGCCT]CTGCAGCTCACGCTGCCGCGCCTCTGCCAGCCGCTCCCGGTCTGTCATGAACAGCTCCCG-3'

ClinVar aggregate classification (germline): Pathogenic/Likely pathogenic. Review status: criteria provided, multiple submitters, no conflicts (2 of 4 stars). 2 submissions from 2 submitters: Pathogenic (1); Likely pathogenic (1). Last evaluated 2023-09-21.

Conditions:
Usher syndrome type 1C. Also called: USHER SYNDROME, TYPE I, ACADIAN VARIETY. Identifiers: Orphanet 231169, Orphanet 886, MedGen C1848604, MONDO:0010171, OMIM 276904.

Submissions (2):

Labcorp Genetics (formerly Invitae), Labcorp
Classification: Pathogenic. Last evaluated: 2023-09-21. Review status: criteria provided, single submitter. Criteria: Invitae Variant Classification Sherloc (09022015). Collection method: clinical testing. Allele origin: germline.
Comment: For these reasons, this variant has been classified as Pathogenic. ClinVar contains an entry for this variant (Variation ID: 1333674). This variant has not been reported in the literature in individuals affected with USH1C-related conditions. This variant is present in population databases (rs761465345, gnomAD 0.0009%). This sequence change creates a premature translational stop signal (p.Gln315Argfs*58) in the USH1C gene. It is expected to result in an absent or disrupted protein product. Loss-of-function variants in USH1C are known to be pathogenic (PMID: 10973247, 17407589, 20301442, 21203349).

3billion
Classification: Likely pathogenic for Usher syndrome type 1C. Last evaluated: 2022-01-03. Review status: criteria provided, single submitter. Criteria: ACMG Guidelines, 2015. Collection method: clinical testing. Allele origin: germline. Affected: yes. Observed: 1 homozygote.
Comment: Frameshift: predicted to result in a loss or disruption of normal protein function through nonsense-mediated decay (NMD) or protein truncation. Multiple pathogenic variants are reported downstream of the variant (PVS1_VS). It is observed at an extremely low frequency in the gnomAD v2.1.1 dataset (total allele frequency: 0.000004, PM2_M).Therefore, this variant is classified as likely pathogenic according to the recommendation of ACMG/AMP guideline.

Literature cited by the submitters: PubMed 10973247 (cited by Labcorp Genetics (formerly Invitae), Labcorp); PubMed 17407589 (cited by Labcorp Genetics (formerly Invitae), Labcorp); PubMed 20301442 (cited by Labcorp Genetics (formerly Invitae), Labcorp); PubMed 21203349 (cited by Labcorp Genetics (formerly Invitae), Labcorp).